The following is an entry in ClinVar:

NM_002661.5(PLCG2):c.2224C>G (p.Arg742Gly)

Gene: PLCG2 (phospholipase C gamma 2; plus strand). Cytogenetic location: 16q23.3.
Variant type: single nucleotide variant.
Coding change: c.2224C>G on transcript NM_002661.5 (MANE Select); coding-DNA position 2224, C replaced by G.
Protein change: p.Arg742Gly; replaces arginine 742 with glycine.
Molecular consequence: missense variant.
Genome position (GRCh38, 1-based): chr16:81,919,653, C>G. VCF-style: chr16-81919653-C-G. GRCh37 (hg19) VCF-style: chr16-81953258-C-G.
Other names: short protein forms R742G.
Identifiers: ClinVar variation 1491088 (VCV001491088.6), dbSNP rs776768909, ClinGen allele CA396902158.

ClinVar aggregate classification (germline): Uncertain significance (1 of 4 stars; one submission).

Conditions:
Familial cold autoinflammatory syndrome 3 (FCAS3). Also called: FAMILIAL ATYPICAL COLD URTICARIA; ANTIBODY DEFICIENCY AND IMMUNE DYSREGULATION, PLCG2-ASSOCIATED. Identifiers: Orphanet 300359, MedGen C3280914, MONDO:0013766, OMIM 614468.

Submission:

Labcorp Genetics (formerly Invitae), Labcorp
Classification: Uncertain significance for Familial cold autoinflammatory syndrome 3. Last evaluated: 2024-09-30. Review status: criteria provided, single submitter. Criteria: Invitae Variant Classification Sherloc (09022015). Collection method: clinical testing. Allele origin: germline.
Comment: This sequence change replaces arginine, which is basic and polar, with glycine, which is neutral and non-polar, at codon 742 of the PLCG2 protein (p.Arg742Gly). This variant is not present in population databases (gnomAD no frequency). This missense change has been observed in individual(s) with features of familial cold autoinflammatory syndrome (internal data). ClinVar contains an entry for this variant (Variation ID: 1491088). An algorithm developed to predict the effect of missense changes on protein structure and function (PolyPhen-2) suggests that this variant is likely to be disruptive. In summary, the available evidence is currently insufficient to determine the role of this variant in disease. Therefore, it has been classified as a Variant of Uncertain Significance.